The following is an entry in ClinVar:

NM_006736.6(DNAJB2):c.352+1G>A

Gene: DNAJB2 (DnaJ heat shock protein family (Hsp40) member B2; plus strand). Cytogenetic location: 2q35.
Variant type: single nucleotide variant.
Coding change: c.352+1G>A on transcript NM_006736.6 (MANE Select); the canonical splice donor site of the intron after coding-DNA position 352, G replaced by A.
Molecular consequence: splice donor variant.
Genome position (GRCh38, 1-based): chr2:219,282,062, G>A. VCF-style: chr2-219282062-G-A. GRCh37 (hg19) VCF-style: chr2-220146784-G-A.
Other names: chr2:219282062G>A; IVS5DS, G-A, +1; c.352+1G>A (NM_001039550.2, NM_006736.5).
Identifiers: ClinVar variation 217886 (VCV000217886.45), dbSNP rs756614404, ClinGen allele CA210363.

ClinVar aggregate classification (germline): Pathogenic. Review status: criteria provided, multiple submitters, no conflicts (2 of 4 stars). 11 submissions from 11 submitters: Pathogenic (7). 4 of the submissions do not count toward it. Last evaluated 2025-12-11.

Conditions:
Neuronopathy, distal hereditary motor, autosomal recessive 5. Also called: Spinal muscular atrophy, distal, autosomal recessive, 5; NEUROPATHY, DISTAL HEREDITARY MOTOR, AUTOSOMAL RECESSIVE 5; Young adult-onset distal hereditary motor neuropathy. Identifiers: Orphanet 314485, Orphanet 443950, MedGen C4749918, MONDO:0013947, OMIM 614881.
Autosomal recessive distal spinal muscular atrophy 2. Also called: NEUROPATHY, DISTAL HEREDITARY MOTOR, AUTOSOMAL RECESSIVE 2; Hereditary motor neuropathy, Jerash type; Motor neuropathy, distal, Jerash type; NEURONOPATHY, DISTAL HEREDITARY MOTOR, JERASH TYPE; NEUROPATHY, DISTAL HEREDITARY MOTOR, JERASH TYPE; SPINAL MUSCULAR ATROPHY, JERASH TYPE. Identifiers: Orphanet 139552, MedGen C1854023, MONDO:0011585, OMIM 605726.
DNAJB2-related disorder. Also called: DNAJB2-related condition.
Inborn genetic diseases. Identifiers: MedGen C0950123, MeSH D030342.
Charcot-Marie-Tooth disease X-linked dominant 1. Also called: CHARCOT-MARIE-TOOTH NEUROPATHY, X-LINKED, 1; CHARCOT-MARIE-TOOTH PERONEAL MUSCULAR ATROPHY, X-LINKED; Charcot-Marie-Tooth Neuropathy X Type 1; HEREDITARY MOTOR AND SENSORY NEUROPATHY, X-LINKED; HMSN, X-LINKED; X-linked Charcot-Marie-Tooth disease type 1. Identifiers: Orphanet 101075, MedGen C0393808, MONDO:0010549, OMIM 302800.
Charcot-Marie-Tooth disease. Also called: Charcot-Marie-Tooth Hereditary Neuropathy; Charcot-Marie-Tooth Neuropathy. Identifiers: Orphanet 166, MedGen C0007959, MONDO:0015626.

Allele frequency attached by ClinVar (database versions not stated): ExAC 0.00001; gnomAD exomes 0.00001 and 0.00004; TOPMed 0.00001; gnomAD 0.00002.

Submissions (11):

Mayo Clinic Laboratories, Mayo Clinic
Classification: Pathogenic. Last evaluated: 2025-12-11. Review status: criteria provided, single submitter. Criteria: ACMG Guidelines, 2015. Collection method: clinical testing. Allele origin: germline. Observed: 1 variant allele.
Comment: PP1_strong, PM2_supporting, PM3, PVS1_strong

Women's Health and Genetics/Laboratory Corporation of America, LabCorp
Classification: Pathogenic for Neuronopathy, distal hereditary motor, autosomal recessive 5. Last evaluated: 2025-07-16. Review status: criteria provided, single submitter. Criteria: LabCorp Variant Classification Summary - May 2015. Collection method: clinical testing. Allele origin: germline.
Comment: Variant summary: DNAJB2 c.352+1G>A is located in a canonical splice-site and is predicted to affect mRNA splicing resulting in a significantly altered protein due to either exon skipping, shortening, or inclusion of intronic material. Variants that disrupt the consensus splice site are a relatively common cause of aberrant splicing and loss of DNAJB2 function. Several computational tools predict a significant impact on normal splicing: Four predict the variant abolishes a 5' splicing donor site. At least one publication reports experimental evidence that this variant affects mRNA splicing. The variant allele was found at a frequency of 1.3e-05 in 1613970 control chromosomes. This frequency is not significantly higher than estimated for a pathogenic variant in DNAJB2 causing Young Adult-Onset Distal Hereditary Motor Neuropathy (1.3e-05 vs 0.0011), allowing no conclusion about variant significance. c.352+1G>A has been observed in multiple homozygous individuals affected with Young Adult-Onset Distal Hereditary Motor Neuropathy (Blumen_2012). These data indicate that the variant is very likely to be associated with disease. At least one publication reports experimental evidence evaluating an impact on mRNA and protein function (Blumen_2012) and showed that this variant resulted in a truncated protein product much smaller than the wild type protein. The following publication have been ascertained in the context of this evaluation (PMID: 22522442). ClinVar contains an entry for this variant (Variation ID: 217886). Based on the evidence outlined above, the variant was classified as pathogenic.

Labcorp Genetics (formerly Invitae), Labcorp
Classification: Pathogenic for Neuronopathy, distal hereditary motor, autosomal recessive 5. Last evaluated: 2024-08-01. Review status: criteria provided, single submitter. Criteria: Invitae Variant Classification Sherloc (09022015). Collection method: clinical testing. Allele origin: germline.
Comment: This sequence change affects a donor splice site in intron 5 of the DNAJB2 gene. RNA analysis indicates that disruption of this splice site induces altered splicing and may result in an absent or altered protein product. This variant is present in population databases (rs756614404, gnomAD 0.03%). Disruption of this splice site has been observed in individuals with Charcot-Marie-Tooth disease (PMID: 22522442, 27083531). It has also been observed to segregate with disease in related individuals. ClinVar contains an entry for this variant (Variation ID: 217886). Algorithms developed to predict the effect of variants on gene product structure and function are not available or were not evaluated for this variant. Experimental studies have shown that disruption of this splice site affects DNAJB2 function (PMID: 22522442). Studies have shown that disruption of this splice site results in complete or partial retention of intron 5, and produces a non-functional protein and/or introduces a premature termination codon (PMID: 22522442). For these reasons, this variant has been classified as Pathogenic.

PreventionGenetics, part of Exact Sciences
Classification: Pathogenic for DNAJB2-related condition. Last evaluated: 2023-09-08. Review status: criteria provided, single submitter. Criteria: ACMG Guidelines, 2015. Collection method: clinical testing. Allele origin: germline.
Comment: The DNAJB2 c.352+1G>A variant is predicted to disrupt the GT donor site and interfere with normal splicing. This variant was reported in the homozygous state in multiple individuals with distal hereditary motor neuropathy and/or Charcot-Marie-Tooth disease (Blumen et al. 2012. PubMed ID: 22522442; Frasquet et al. 2016. PubMed ID: 27083531; Lupo et al. 2016. PubMed ID: 26752306). This variant is reported in 0.030% of alleles in individuals of Ashkenazi Jewish descent in gnomAD. Variants that disrupt the consensus splice donor site in DNAJB2 are expected to be pathogenic. This variant is interpreted as pathogenic.

GeneDx
Classification: Pathogenic. Last evaluated: 2022-04-22. Review status: criteria provided, single submitter. Criteria: GeneDx Variant Classification Process June 2021. Collection method: clinical testing. Allele origin: germline. Affected: yes.
Comment: Functional assay performed on patient's cells demonstrated that c.352+1G>A causes inclusion of intron 5, leading to a truncated protein (Blumen et al., 2012); This variant is associated with the following publications: (PMID: 28018906, 27083531, 26752306, 32093037, 22522442, 31589614, Scalia_2021)

Laboratório de Neurologia Aplicada e Experimental, Faculdade de Medicina de Ribeirao Preto – Universidade de Sao Paulo
Classification: Pathogenic for CMT2. Last evaluated: 2021-07-20. Review status: criteria provided, single submitter. Criteria: ACMG Guidelines, 2015. Collection method: research. Allele origin: germline. Inheritance: Autosomal recessive inheritance. Affected: yes. Observed: 1 homozygote.
Comment: This sequence change falls in intron 5 of the DNAJB2 gene. This mutation causes abnormal splicing of a gene resulting in a quantitative reduction of the protein product (PMID: 22522442). This variant is not present in population databases (GnomAD and ABraOM) in homozygous status. This variant has been reported in the literature in individuals with AR-CMT2 and DSMA5 and is sometimes associated with Parkinson’s disease and cerebellar ataxia (PMID: 22522442; 27083531; DOI: 10.1016/j.parkreldis.2015.10.361). In summary, the c.352+1G>A variant meets our criteria to be classified as pathogenic.

Ambry Genetics
Classification: Pathogenic for Inborn genetic diseases. Last evaluated: 2019-11-01. Review status: criteria provided, single submitter. Criteria: Ambry Variant Classification Scheme 2023. Collection method: clinical testing. Allele origin: germline.
Comment: The c.352+1G>A intronic pathogenic mutation results from a G to A substitution one nucleotide after coding exon 4 of the DNAJB2 gene. This alteration has been detected in the homozygous form in affected individuals and segregates with disease (Blumen SC et al. Ann. Neurol., 2012 Apr;71:509-19; Frasquet M et al. J. Neurol. Neurosurg. Psychiatry, 2016 11;87:1265-1268; Lupo V et al. J Mol Diagn, 2016 Mar;18:225-34). In addition, RNA studies have demonstrated that this alteration results in abnormal splicing, but normal RNA and protein is also detected in individuals homozygous for this alteration (Blumen SC et al. Ann. Neurol., 2012 Apr;71:509-19). Alterations that disrupt the canonical splice site are expected to cause aberrant splicing, resulting in an abnormal protein or a transcript that is subject to nonsense-mediated mRNA decay. As such, this alteration is classified as a disease-causing mutation.

Inherited Neuropathy Consortium Ii, University Of Miami
Classification: Uncertain significance for Autosomal recessive distal spinal muscular atrophy 2. Last evaluated: 2019-12-07. Review status: no assertion criteria provided. Collection method: literature only. Allele origin: germline. Affected: yes. Not counted in ClinVar's aggregate classification.

Mendelics
Classification: Pathogenic for Neuronopathy, distal hereditary motor, autosomal recessive 5. Last evaluated: 2014-08-08. Review status: no assertion criteria provided. Collection method: clinical testing. Allele origin: germline. Affected: yes. Not counted in ClinVar's aggregate classification.

OMIM
Classification: Pathogenic for NEURONOPATHY, DISTAL HEREDITARY MOTOR, AUTOSOMAL RECESSIVE 5. Last evaluated: 2012-04-01. Review status: no assertion criteria provided. Collection method: literature only. Allele origin: germline. Not counted in ClinVar's aggregate classification.

Inherited Neuropathy Consortium
Classification: Uncertain significance for Charcot-Marie-Tooth disease. Review status: no assertion criteria provided. Collection method: literature only. Allele origin: germline. Affected: yes. Not counted in ClinVar's aggregate classification.

Literature cited by the submitters: PubMed 22522442 (cited by 9 submitters); PubMed 26752306 (cited by Mayo Clinic Laboratories, Mayo Clinic and Ambry Genetics); PubMed 27083531 (cited by 4 submitters); PubMed 38375759 (cited by Mayo Clinic Laboratories, Mayo Clinic).